The following is an entry in ClinVar:

ClinVar aggregate classification (germline): Uncertain significance (1 of 4 stars; one submission).

Submission:

GeneDx
Classification: Uncertain significance. Last evaluated: 2022-11-01. Review status: criteria provided, single submitter. Criteria: GeneDx Variant Classification Process June 2021. Collection method: clinical testing. Allele origin: germline. Affected: yes.
Comment: Not observed at significant frequency in large population cohorts (gnomAD); In silico analysis supports that this missense variant does not alter protein structure/function; Has not been previously published as pathogenic or benign to our knowledge

NM_004380.3(CREBBP):c.6495C>A (p.Asn2165Lys)

Gene: CREBBP (CREB binding protein; minus strand). Cytogenetic location: 16p13.3.
Variant type: single nucleotide variant.
Coding change: c.6495C>A on transcript NM_004380.3 (MANE Select); coding-DNA position 6495, C replaced by A.
Protein change: p.Asn2165Lys; replaces asparagine 2165 with lysine.
Molecular consequence: missense variant.
Genome position (GRCh38, 1-based): chr16:3,728,552, G>T on the plus strand (C>A on the coding strand, the complement: CREBBP is on the minus strand). VCF-style: chr16-3728552-G-T. GRCh37 (hg19) VCF-style: chr16-3778553-G-T.
Other names: c.6381C>A, p.Asn2127Lys (NM_001079846.1); short protein forms N2127K, N2165K.
Identifiers: ClinVar variation 2500364 (VCV002500364.1), dbSNP rs2151303633, ClinGen allele CA394552593.